The following is an entry in ClinVar:

ClinVar aggregate classification (germline): Uncertain significance (1 of 4 stars; one submission).

Conditions:
Dilated cardiomyopathy 1G (CMD1G). Identifiers: Orphanet 154, MedGen C1858763, MONDO:0011400, OMIM 604145.
Autosomal recessive limb-girdle muscular dystrophy type 2J (LGMDR10). Also called: Limb-girdle muscular dystrophy, type 2J; MUSCULAR DYSTROPHY, LIMB-GIRDLE, AUTOSOMAL RECESSIVE 10. Identifiers: Orphanet 140922, MedGen C1837342, MONDO:0012127, OMIM 608807.

Submission:

Labcorp Genetics (formerly Invitae), Labcorp
Classification: Uncertain significance for Dilated cardiomyopathy 1G; Autosomal recessive limb-girdle muscular dystrophy type 2J. Last evaluated: 2024-03-27. Review status: criteria provided, single submitter. Criteria: Invitae Variant Classification Sherloc (09022015). Collection method: clinical testing. Allele origin: germline.
Comment: This sequence change falls in intron 270 of the TTN gene. It does not directly change the encoded amino acid sequence of the TTN protein. It affects a nucleotide within the consensus splice site. This variant is not present in population databases (gnomAD no frequency). This variant has not been reported in the literature in individuals affected with TTN-related conditions. Variants that disrupt the consensus splice site are a relatively common cause of aberrant splicing (PMID: 17576681, 9536098). Algorithms developed to predict the effect of sequence changes on RNA splicing suggest that this variant is not likely to affect RNA splicing. This variant is located in the A band of TTN (PMID: 25589632). Variants in this region may be relevant for cardiac or neuromuscular disorders (PMID: 25589632, 23975875). In summary, the available evidence is currently insufficient to determine the role of this variant in disease. Therefore, it has been classified as a Variant of Uncertain Significance.

Literature cited by the submitters: PubMed 17576681; PubMed 9536098; PubMed 25589632; PubMed 23975875.

NM_001267550.2(TTN):c.51136+4A>C

Genes: TTN (titin; minus strand), TTN-AS1 (TTN antisense RNA 1; plus strand). Cytogenetic location: 2q31.2.
Variant type: single nucleotide variant.
Coding change: c.51136+4A>C on transcript NM_001267550.2 (MANE Select); 4 bases into the intron after coding-DNA position 51136, A replaced by C.
Molecular consequence: intron variant.
Genome position (GRCh38, 1-based): chr2:178,610,989, T>G on the plus strand (A>C on the coding strand, the complement: TTN is on the minus strand). VCF-style: chr2-178610989-T-G. GRCh37 (hg19) VCF-style: chr2-179475716-T-G.
Other names: c.23941+4A>C (NM_003319.4); c.24517+4A>C (NM_133437.4); c.24316+4A>C (NM_133432.3); c.43432+4A>C (NM_133378.4); c.46213+4A>C (NM_001256850.1).
Identifiers: ClinVar variation 3755406 (VCV003755406.2).